The following is an entry in ClinVar:

ClinVar aggregate classification (germline): Uncertain significance (1 of 4 stars; one submission).

gnomAD v4.1: 100 of 1,613,188 alleles (0.0062%); highest among the groups gnomAD compares: Non-Finnish European, 0.0081%; no homozygotes.

Submission:

Ambry Genetics
Classification: Uncertain significance. Last evaluated: 2025-01-14. Review status: criteria provided, single submitter. Criteria: Ambry Variant Classification Scheme 2023. Collection method: clinical testing. Allele origin: germline.
Comment: The p.Q319H variant (also known as c.957G>C), located in coding exon 8 of the RAD51B gene, results from a G to C substitution at nucleotide position 957. The glutamine at codon 319 is replaced by histidine, an amino acid with highly similar properties. However, this change occurs in the last base pair of coding exon 8, which makes it likely to have some effect on normal mRNA splicing. This nucleotide position is well conserved in available vertebrate species. This amino acid position is highly conserved in available vertebrate species. In silico splice site analysis predicts that this alteration will weaken the native splice donor site. In addition, as a missense substitution this is predicted to be tolerated by in silico analysis. The evidence for this gene-disease relationship is limited; therefore, the clinical significance of this alteration is unclear.

NM_133510.4(RAD51B):c.957G>C (p.Gln319His)

Gene: RAD51B (RAD51 paralog B; plus strand). Cytogenetic location: 14q24.1.
Variant type: single nucleotide variant.
Coding change: c.957G>C on transcript NM_133510.4 (MANE Select); coding-DNA position 957, G replaced by C.
Protein change: p.Gln319His; replaces glutamine 319 with histidine.
Molecular consequence: missense variant.
Genome position (GRCh38, 1-based): chr14:68,411,527, G>C. VCF-style: chr14-68411527-G-C. GRCh37 (hg19) VCF-style: chr14-68878244-G-C.
Other names: c.957G>C, p.Gln319His (NM_001321809.2, NM_001321810.2, NM_001321812.1 and 6 more transcripts); c.843G>C, p.Gln281His (NM_001321815.1); c.600G>C, p.Gln200His (NM_001321817.2); short protein forms Q200H, Q319H, Q281H.
Identifiers: ClinVar variation 3786382 (VCV003786382.1).